The following is an entry in ClinVar:

ClinVar aggregate classification (germline): Uncertain significance. Review status: criteria provided, multiple submitters, no conflicts (2 of 4 stars). 2 submissions from 2 submitters: Uncertain significance (2). Last evaluated 2025-06-12.

Conditions:
Inborn genetic diseases. Identifiers: MedGen C0950123, MeSH D030342.

Submissions (2):

Labcorp Genetics (formerly Invitae), Labcorp
Classification: Uncertain significance. Last evaluated: 2025-06-12. Review status: criteria provided, single submitter. Criteria: Invitae Variant Classification Sherloc (09022015). Collection method: clinical testing. Allele origin: germline.
Comment: This sequence change replaces alanine, which is neutral and non-polar, with threonine, which is neutral and polar, at codon 547 of the FLNB protein (p.Ala547Thr). This variant is not present in population databases (gnomAD no frequency). This variant has not been reported in the literature in individuals affected with FLNB-related conditions. ClinVar contains an entry for this variant (Variation ID: 2549215). Invitae Evidence Modeling of protein sequence and biophysical properties (such as structural, functional, and spatial information, amino acid conservation, physicochemical variation, residue mobility, and thermodynamic stability) indicates that this missense variant is not expected to disrupt FLNB protein function with a negative predictive value of 95%. In summary, the available evidence is currently insufficient to determine the role of this variant in disease. Therefore, it has been classified as a Variant of Uncertain Significance.

Ambry Genetics
Classification: Uncertain significance for Inborn genetic diseases. Last evaluated: 2023-05-18. Review status: criteria provided, single submitter. Criteria: Ambry Variant Classification Scheme 2023. Collection method: clinical testing. Allele origin: germline.

NM_001457.4(FLNB):c.1639G>A (p.Ala547Thr)

Gene: FLNB (filamin B; plus strand). Cytogenetic location: 3p14.3.
Variant type: single nucleotide variant.
Coding change: c.1639G>A on transcript NM_001457.4 (MANE Select); coding-DNA position 1639, G replaced by A.
Protein change: p.Ala547Thr; replaces alanine 547 with threonine.
Molecular consequence: missense variant.
Genome position (GRCh38, 1-based): chr3:58,105,108, G>A. VCF-style: chr3-58105108-G-A. GRCh37 (hg19) VCF-style: chr3-58090835-G-A.
Other names: c.1639G>A, p.Ala547Thr (NM_001164317.2, NM_001164318.2, NM_001164319.2); short protein forms A547T.
Identifiers: ClinVar variation 2549215 (VCV002549215.3), dbSNP rs2471072753, ClinGen allele CA353338923.